The following is an entry in ClinVar:

NM_000540.3(RYR1):c.14761TTC[5] (p.Phe4924dup)

Gene: RYR1 (ryanodine receptor 1; plus strand). Cytogenetic location: 19q13.2.
Variant type: Microsatellite.
Coding change: c.14761TTC[5] on transcript NM_000540.3 (MANE Select); five copies in a row of the 3-base unit TTC starting at c.14761; the reference has four copies in a row; one copy, 3 bases duplicated.
Protein change: p.Phe4924dup; duplicates phenylalanine 4924.
Molecular consequence: inframe insertion.
Genome position (GRCh38, 1-based): chr19:38,585,066-38,585,068, TTC duplicated; duplicating any 3 consecutive bases within chr19:38,585,056-38,585,068 gives the same sequence; the position shown is the placement nearest the transcript's 3' end. VCF-style (leftmost placement, unchanged base first): chr19-38585055-C-CCTT. GRCh37 (hg19) VCF-style: chr19-39075695-C-CCTT.
Other names: c.14746TTC[5], p.Phe4919dup (NM_001042723.2).
Identifiers: ClinVar variation 451311 (VCV000451311.9), dbSNP rs1064794572, ClinGen allele CA658658816.

ClinVar aggregate classification (germline): Uncertain significance. Review status: criteria provided, multiple submitters, no conflicts (2 of 4 stars). 3 submissions from 3 submitters: Uncertain significance (3). Last evaluated 2023-05-26.

Conditions:
RYR1-related disorder. Also called: RYR1-related condition; RYR1-related disorders. Identifiers: MedGen CN239331.

Submissions (3):

Labcorp Genetics (formerly Invitae), Labcorp
Classification: Uncertain significance for RYR1-related disorder. Last evaluated: 2023-05-26. Review status: criteria provided, single submitter. Criteria: Invitae Variant Classification Sherloc (09022015). Collection method: clinical testing. Allele origin: germline.
Comment: This variant has not been reported in the literature in individuals affected with RYR1-related conditions. Experimental studies and prediction algorithms are not available or were not evaluated, and the functional significance of this variant is currently unknown. In summary, the available evidence is currently insufficient to determine the role of this variant in disease. Therefore, it has been classified as a Variant of Uncertain Significance. This variant, c.14770_14772dup, results in the insertion of 1 amino acid(s) of the RYR1 protein (p.Phe4924dup), but otherwise preserves the integrity of the reading frame. This variant is not present in population databases (gnomAD no frequency).

GeneDx
Classification: Uncertain significance. Last evaluated: 2017-08-11. Review status: criteria provided, single submitter. Criteria: GeneDx Variant Classification (06012015). Collection method: clinical testing. Allele origin: germline. Affected: yes.
Comment: A variant of uncertain significance has been identified in the RYR1 gene. The c.14770_14772dupTTC variant has not been published as a pathogenic variant, nor has it been reported as a benign variant to our knowledge. The c.14770_14772dupTTC variant is not observed at significant frequency in large population cohorts (Lek et al., 2016; 1000 Genomes Consortium et al., 2015; Exome Variant Server). The c.14770_14772dupTTC variant results in an in-frame duplication of a single Phenylalanine residue, denoted p.Phe4924dup. This variant occurs at a position that is conserved. However, in-frame deletions and duplications have not been reported in the Human Gene Mutation Database in association with RYR1-related disorders (Stenson et al., 2014). Therefore, based on the currently available information, it is unclear whether this variant is a pathogenic variant or a rare benign variant.

PreventionGenetics, part of Exact Sciences
Classification: Uncertain significance. Last evaluated: 2016-04-12. Review status: criteria provided, single submitter. Criteria: ACMG Guidelines, 2015. Collection method: clinical testing. Allele origin: germline.